The following is an entry in ClinVar:

ClinVar aggregate classification (germline): Likely benign (1 of 4 stars; one submission).

Allele frequency attached by ClinVar (database versions not stated): 1000 Genomes Project 0.00140; 1000 Genomes Project 30x 0.00156; ESP Exome Variant Server 0.00169; gnomAD 0.00185 and 0.00205; TOPMed 0.00206.
gnomAD v4.1: 524 of 1,614,270 alleles (0.032%); highest among the groups gnomAD compares: African/African-American, 0.63%; 1 homozygote.

Submission:

GeneDx
Classification: Likely benign. Last evaluated: 2018-01-04. Review status: criteria provided, single submitter. Criteria: GeneDx Variant Classification (06012015). Collection method: clinical testing. Allele origin: germline. Affected: yes.
Comment: This variant is considered likely benign or benign based on one or more of the following criteria: it is a conservative change, it occurs at a poorly conserved position in the protein, it is predicted to be benign by multiple in silico algorithms, and/or has population frequency not consistent with disease.

NM_015634.4(KIFBP):c.-20G>A

Genes: KIFBP (kinesin family binding protein; plus strand), LOC130003959 (ATAC-STARR-seq lymphoblastoid active region 3474; plus strand). Cytogenetic location: 10q22.1.
Variant type: single nucleotide variant.
Coding change: c.-20G>A on transcript NM_015634.4 (MANE Select); 20 bases upstream of the start codon, G replaced by A.
Molecular consequence: 5 prime UTR variant.
Genome position (GRCh38, 1-based): chr10:68,988,813, G>A. VCF-style: chr10-68988813-G-A. GRCh37 (hg19) VCF-style: chr10-70748569-G-A.
Identifiers: ClinVar variation 389711 (VCV000389711.1), dbSNP rs199849981, ClinGen allele CA5529594.